The following is an entry in ClinVar:

NM_000059.4(BRCA2):c.1334C>T (p.Ser445Phe)

Gene: BRCA2 (BRCA2 DNA repair associated; plus strand). Cytogenetic location: 13q13.1.
Variant type: single nucleotide variant.
Coding change: c.1334C>T on transcript NM_000059.4 (MANE Select); coding-DNA position 1334, C replaced by T.
Protein change: p.Ser445Phe; replaces serine 445 with phenylalanine.
Molecular consequence: missense variant.
Genome position (GRCh38, 1-based): chr13:32,332,812, C>T. VCF-style: chr13-32332812-C-T. GRCh37 (hg19) VCF-style: chr13-32906949-C-T.
Other names: c.1334C>T, p.Ser445Phe (NM_001406719.1, NM_001406720.1, NM_001406721.1); short protein forms S445F.
Identifiers: ClinVar variation 1770216 (VCV001770216.5), dbSNP rs786202373, ClinGen allele CA387762699.
Genomic context (GRCh38, chr13:32,332,812, plus strand): 5'-AAAAAGACCTATTAGACACAGAGAACAAAAGAAAGAAAGATTTTCTTACTTCAGAGAATT[C>T]TTTGCCACGTATTTCTAGCCTACCAAAATCAGAGAAGCCATTAAATGAGGAAACAGTGGT-3'
Protein context (NP_000050.3, residues 435-455): RKKDFLTSEN[Ser445Phe]LPRISSLPKS

ClinVar aggregate classification (germline): Conflicting classifications of pathogenicity. Review status: criteria provided, conflicting classifications (1 of 4 stars). 2 submissions from 2 submitters: Uncertain significance (1); Likely benign (1). Last evaluated 2024-09-10.

Conditions:
Hereditary cancer-predisposing syndrome. Also called: Hereditary Cancer Syndrome; Hereditary neoplastic syndrome; Neoplastic Syndromes, Hereditary; Tumor predisposition. Identifiers: Orphanet 140162, MedGen C0027672, MeSH D009386, MONDO:0015356.

Submissions (2):

Ambry Genetics
Classification: Uncertain significance for Hereditary cancer-predisposing syndrome. Last evaluated: 2024-09-10. Review status: criteria provided, single submitter. Criteria: Ambry Variant Classification Scheme 2023. Collection method: clinical testing. Allele origin: germline.
Comment: The p.S445F variant (also known as c.1334C>T), located in coding exon 9 of the BRCA2 gene, results from a C to T substitution at nucleotide position 1334. The serine at codon 445 is replaced by phenylalanine, an amino acid with highly dissimilar properties. This amino acid position is well conserved in available vertebrate species. In addition, this alteration is predicted to be tolerated by in silico analysis. Based on the available evidence, the clinical significance of this variant remains unclear.

University of Washington Department of Laboratory Medicine, University of Washington
Classification: Likely benign for Hereditary cancer-predisposing syndrome. Last evaluated: 2023-03-23. Review status: criteria provided, single submitter. Criteria: Dines et al. (Genet Med. 2020). Collection method: curation. Allele origin: germline.
Comment: Missense variant in a coldspot region where missense variants are very unlikely to be pathogenic (PMID:31911673).

BRCA2 exon 10 coldspot. Reclassification based on statistical prior probability.